The following is an entry in ClinVar:

NM_024675.4(PALB2):c.1715C>T (p.Ser572Phe)

Gene: PALB2 (partner and localizer of BRCA2; minus strand). Cytogenetic location: 16p12.2.
Variant type: single nucleotide variant.
Coding change: c.1715C>T on transcript NM_024675.4 (MANE Select); coding-DNA position 1715, C replaced by T.
Protein change: p.Ser572Phe; replaces serine 572 with phenylalanine.
Molecular consequence: missense variant.
Genome position (GRCh38, 1-based): chr16:23,630,439, G>A on the plus strand (C>T on the coding strand, the complement: PALB2 is on the minus strand). VCF-style: chr16-23630439-G-A. GRCh37 (hg19) VCF-style: chr16-23641760-G-A.
Other names: short protein forms S572F.
Identifiers: ClinVar variation 185787 (VCV000185787.26), dbSNP rs757397623, ClinGen allele CA192945.
Genomic context (GRCh38, chr16:23,630,439, plus strand): 5'-AATGGAGCCGTGAAAGCATCATCATCCAAGGATAAATAAGCACTATTACTCCAAGAAAGG[G>A]AATCCTCTTTTTGATGACGACTTTTCTTCCCTAAAGAAGAAAAATAAGTCACAAAATAGT-3'
Protein context (NP_078951.2, residues 562-582): GKKSRHQKED[Ser572Phe]LSWSNSAYLS

ClinVar aggregate classification (germline): Uncertain significance. Review status: criteria provided, multiple submitters, no conflicts (2 of 4 stars). 5 submissions from 5 submitters: Uncertain significance (4). 1 of the submissions does not count toward it. Last evaluated 2025-09-20.

Conditions:
Hereditary cancer-predisposing syndrome. Also called: Hereditary neoplastic syndrome; Neoplastic Syndromes, Hereditary; Tumor predisposition; Hereditary Cancer Syndrome. Identifiers: Orphanet 140162, MedGen C0027672, MeSH D009386, MONDO:0015356.
Familial cancer of breast. Also called: BREAST CANCER, FAMILIAL; Hereditary breast cancer; hereditary breast carcinoma. Identifiers: Orphanet 227535, MedGen C0346153, MONDO:0016419, OMIM 114480. Disease mechanism: loss of function.

Allele frequency attached by ClinVar (database versions not stated): gnomAD exomes below 0.00001 and 0.00001; ExAC 0.00001.
gnomAD v4.1: 4 of 1,613,510 alleles (0.00025%); highest among the groups gnomAD compares: Non-Finnish European, 0.00017%; no homozygotes.

Submissions (5):

Ambry Genetics
Classification: Uncertain significance for Hereditary cancer-predisposing syndrome. Last evaluated: 2025-09-20. Review status: criteria provided, single submitter. Criteria: Ambry Variant Classification Scheme 2023. Collection method: clinical testing. Allele origin: germline.
Comment: The p.S572F variant (also known as c.1715C>T), located in coding exon 5 of the PALB2 gene, results from a C to T substitution at nucleotide position 1715. The serine at codon 572 is replaced by phenylalanine, an amino acid with highly dissimilar properties. This amino acid position is well conserved in available vertebrate species. In addition, this alteration is predicted to be tolerated by in silico analysis. Since supporting evidence is limited at this time, the clinical significance of this alteration remains unclear.

Labcorp Genetics (formerly Invitae), Labcorp
Classification: Uncertain significance for Familial cancer of breast. Last evaluated: 2024-10-20. Review status: criteria provided, single submitter. Criteria: Invitae Variant Classification Sherloc (09022015). Collection method: clinical testing. Allele origin: germline.
Comment: This sequence change replaces serine, which is neutral and polar, with phenylalanine, which is neutral and non-polar, at codon 572 of the PALB2 protein (p.Ser572Phe). This variant is present in population databases (rs757397623, gnomAD 0.0009%). This variant has not been reported in the literature in individuals affected with PALB2-related conditions. ClinVar contains an entry for this variant (Variation ID: 185787). Invitae Evidence Modeling of protein sequence and biophysical properties (such as structural, functional, and spatial information, amino acid conservation, physicochemical variation, residue mobility, and thermodynamic stability) indicates that this missense variant is not expected to disrupt PALB2 protein function with a negative predictive value of 80%. In summary, the available evidence is currently insufficient to determine the role of this variant in disease. Therefore, it has been classified as a Variant of Uncertain Significance.

Color Diagnostics, LLC DBA Color Health
Classification: Uncertain significance for Hereditary cancer-predisposing syndrome. Last evaluated: 2023-12-05. Review status: criteria provided, single submitter. Criteria: ACMG Guidelines, 2015. Collection method: clinical testing. Allele origin: germline.
Comment: This missense variant replaces serine with phenylalanine at codon 572 of the PALB2 protein. Computational prediction tools and conservation analyses suggest that this variant may not impact the protein function. Computational splicing tools suggest that this variant may not impact RNA splicing. To our knowledge, functional assays have not been performed for this variant nor has this variant been reported in individuals affected with hereditary cancer in the literature. This variant has been identified in 2/249272 chromosomes in the general population by the Genome Aggregation Database (gnomAD). Available evidence is insufficient to determine the role of this variant in disease conclusively. Therefore, this variant is classified as a Variant of Uncertain Significance.

Myriad Genetics, Inc.
Classification: Uncertain significance for Familial cancer of breast. Last evaluated: 2023-03-30. Review status: criteria provided, single submitter. Criteria: Myriad Autosomal Dominant, Autosomal Recessive and X-Linked Classification Criteria (2023). Collection method: clinical testing. Allele origin: unknown.
Comment: This variant is classified as a variant of uncertain significance as there is insufficient evidence to determine its impact on protein function and/or cancer risk.

Counsyl
Classification: Uncertain significance for Familial cancer of breast. Last evaluated: 2016-05-25. Review status: no assertion criteria provided. Collection method: clinical testing. Allele origin: unknown. Not counted in ClinVar's aggregate classification.